The following is an entry in ClinVar:

NM_181486.4(TBX5):c.238_239delinsT (p.Ala79_Gly80insTer)

Gene: TBX5 (T-box transcription factor 5; minus strand). Cytogenetic location: 12q24.21.
Variant type: Indel.
Coding change: c.238_239delinsT on transcript NM_181486.4 (MANE Select); coding-DNA positions 238 to 239, GG replaced by T.
Protein change: p.Ala79_Gly80insTer.
Molecular consequence: nonsense.
Genome position (GRCh38, 1-based): chr12:114,401,829-114,401,830, CC replaced by A on the plus strand (GG replaced by T on the coding strand, the reverse complement: TBX5 is on the minus strand). VCF-style: chr12-114401829-CC-A. GRCh37 (hg19) VCF-style: chr12-114839634-CC-A.
Other names: c.238_239delinsT, p.Ala79_Gly80insTer (NM_000192.3); c.88_89delinsT, p.Ala29_Gly30insTer (NM_080717.4).
Identifiers: ClinVar variation 964855 (VCV000964855.4), dbSNP rs1871830996, ClinGen allele CA1139662893.

ClinVar aggregate classification (germline): Pathogenic (1 of 4 stars; one submission).

Conditions:
Aortic valve disease 2 (AOVD2). Identifiers: MedGen C3542024, MONDO:0013902, OMIM 614823.

Submission:

Labcorp Genetics (formerly Invitae), Labcorp
Classification: Pathogenic for Aortic valve disease 2. Last evaluated: 2019-04-30. Review status: criteria provided, single submitter. Criteria: Invitae Variant Classification Sherloc (09022015). Collection method: clinical testing. Allele origin: germline.
Comment: For these reasons, this variant has been classified as Pathogenic. Loss-of-function variants in TBX5 are known to be pathogenic (PMID: 16183809, 16917909). This variant has not been reported in the literature in individuals with TBX5-related conditions. This variant is not present in population databases (ExAC no frequency). This sequence change creates a premature translational stop signal (p.Gly80*) in the TBX5 gene. It is expected to result in an absent or disrupted protein product.

Literature cited by the submitters: PubMed 16183809; PubMed 16917909.